The following is an entry in ClinVar:

NM_000245.4(MET):c.2357T>C (p.Phe786Ser)

Gene: MET (MET proto-oncogene, receptor tyrosine kinase; plus strand). Cytogenetic location: 7q31.2.
Variant type: single nucleotide variant.
Coding change: c.2357T>C on transcript NM_000245.4 (MANE Select); coding-DNA position 2357, T replaced by C.
Protein change: p.Phe786Ser; replaces phenylalanine 786 with serine.
Molecular consequence: missense variant.
Genome position (GRCh38, 1-based): chr7:116,759,483, T>C. VCF-style: chr7-116759483-T-C. GRCh37 (hg19) VCF-style: chr7-116399537-T-C.
Other names: c.2411T>C, p.Phe804Ser (NM_001127500.3); c.2357T>C, p.Phe786Ser (NM_001324401.3); c.1067T>C, p.Phe356Ser (NM_001324402.2); short protein forms F786S, F356S, F804S.
Identifiers: ClinVar variation 960489 (VCV000960489.13), dbSNP rs1794313226, ClinGen allele CA368982564.

ClinVar aggregate classification (germline): Uncertain significance. Review status: criteria provided, multiple submitters, no conflicts (2 of 4 stars). 3 submissions from 3 submitters: Uncertain significance (3). Last evaluated 2025-04-09.

Conditions:
Renal cell carcinoma. Identifiers: Orphanet 217071, MedGen C0007134, MeSH D002292, MONDO:0005086, HP:0005584.
Hereditary cancer-predisposing syndrome. Also called: Tumor predisposition; Hereditary neoplastic syndrome; Neoplastic Syndromes, Hereditary; Hereditary Cancer Syndrome. Identifiers: Orphanet 140162, MedGen C0027672, MeSH D009386, MONDO:0015356.

Allele frequency attached by ClinVar (database versions not stated): gnomAD exomes below 0.00001; TOPMed below 0.00001; gnomAD 0.00001.
gnomAD v4.1: 2 of 1,613,104 alleles (0.00012%); highest among the groups gnomAD compares: South Asian, 0.0011%; no homozygotes.

Submissions (3):

Ambry Genetics
Classification: Uncertain significance for Hereditary cancer-predisposing syndrome. Last evaluated: 2025-04-09. Review status: criteria provided, single submitter. Criteria: Ambry Variant Classification Scheme 2023. Collection method: clinical testing. Allele origin: germline.
Comment: The p.F804S variant (also known as c.2411T>C), located in coding exon 9 of the MET gene, results from a T to C substitution at nucleotide position 2411. The phenylalanine at codon 804 is replaced by serine, an amino acid with highly dissimilar properties. This amino acid position is well conserved in available vertebrate species. In addition, the in silico prediction for this alteration is inconclusive. Based on the available evidence, the clinical significance of this variant remains unclear.

GeneDx
Classification: Uncertain significance. Last evaluated: 2023-10-18. Review status: criteria provided, single submitter. Criteria: GeneDx Variant Classification Process June 2021. Collection method: clinical testing. Allele origin: germline. Affected: yes.
Comment: Not observed at significant frequency in large population cohorts (gnomAD); In silico analysis supports that this missense variant does not alter protein structure/function; Has not been previously published as pathogenic or benign to our knowledge

Labcorp Genetics (formerly Invitae), Labcorp
Classification: Uncertain significance for Renal cell carcinoma. Last evaluated: 2019-10-11. Review status: criteria provided, single submitter. Criteria: Invitae Variant Classification Sherloc (09022015). Collection method: clinical testing. Allele origin: germline.
Comment: In summary, the available evidence is currently insufficient to determine the role of this variant in disease. Therefore, it has been classified as a Variant of Uncertain Significance. Algorithms developed to predict the effect of missense changes on protein structure and function (SIFT, PolyPhen-2, Align-GVGD) all suggest that this variant is likely to be disruptive, but these predictions have not been confirmed by published functional studies and their clinical significance is uncertain. This variant has not been reported in the literature in individuals with MET-related conditions. This variant is not present in population databases (ExAC no frequency). This sequence change replaces phenylalanine with serine at codon 804 of the MET protein (p.Phe804Ser). The phenylalanine residue is moderately conserved and there is a large physicochemical difference between phenylalanine and serine.